The following is an entry in ClinVar:

ClinVar aggregate classification (germline): Uncertain significance (1 of 4 stars; one submission).

Conditions:
Inborn genetic diseases. Identifiers: MedGen C0950123, MeSH D030342.

Submission:

Ambry Genetics
Classification: Uncertain significance for Inborn genetic diseases. Last evaluated: 2025-05-19. Review status: criteria provided, single submitter. Criteria: Ambry Variant Classification Scheme 2023. Collection method: clinical testing. Allele origin: germline.
Comment: The p.T694S variant (also known as c.2080A>T), located in coding exon 13 of the ASXL1 gene, results from an A to T substitution at nucleotide position 2080. The threonine at codon 694 is replaced by serine, an amino acid with similar properties. This amino acid position is conserved. In addition, this alteration is predicted to be tolerated by in silico analysis. Based on the available evidence, the clinical significance of this variant remains unclear.

NM_015338.6(ASXL1):c.2080A>T (p.Thr694Ser)

Gene: ASXL1 (ASXL transcriptional regulator 1; plus strand). Cytogenetic location: 20q11.21.
Variant type: single nucleotide variant.
Coding change: c.2080A>T on transcript NM_015338.6 (MANE Select); coding-DNA position 2080, A replaced by T.
Protein change: p.Thr694Ser; replaces threonine 694 with serine.
Molecular consequence: missense variant.
Genome position (GRCh38, 1-based): chr20:32,434,792, A>T. VCF-style: chr20-32434792-A-T. GRCh37 (hg19) VCF-style: chr20-31022595-A-T.
Other names: c.1897A>T, p.Thr633Ser (NM_001363734.1); short protein forms T633S, T694S.
Identifiers: ClinVar variation 3957097 (VCV003957097.1).
Genomic context (GRCh38, chr20:32,434,792, plus strand): 5'-CACCCTGAGCCCAGGGGAGGCCCGAGCACCCCTGGAAAGTGTACGTCAGATCTACAGCGA[A>T]CACAACTACTGCCGCCTTATCCTCTAAATGGGGAGCATACCCAGGCCGGAACTGCCATGT-3'
Protein context (NP_056153.2, residues 684-704): PGKCTSDLQR[Thr694Ser]QLLPPYPLNG